The following continues an entry in ClinVar:

NM_001379270.1(CNGA1):c.947C>T (p.Ser316Phe)

ClinVar aggregate classification (germline): Pathogenic/Likely pathogenic. Pathogenic (8); Likely pathogenic (10).

Submissions 13 to 26 of 26:

Revvity Omics, Revvity
Classification: Likely pathogenic for Retinitis pigmentosa 49. Last evaluated: 2021-12-29. Review status: criteria provided, single submitter. Criteria: ACMG Guidelines, 2015. Collection method: clinical testing. Allele origin: germline.

Ocular Genomics Institute, Massachusetts Eye and Ear
Classification: Likely pathogenic for Retinitis pigmentosa 49. Last evaluated: 2021-04-08. Review status: criteria provided, single submitter. Criteria: ACMG Guidelines, 2015. Collection method: research. Allele origin: germline. Affected: yes.
Comment: Through a review of available evidence we were able to apply the following criteria: PM2, PP1, PS3, PM3. Based on this evidence we have classified this variant as Likely Pathogenic.

Laboratory for Molecular Medicine, Mass General Brigham Personalized Medicine
Classification: Likely pathogenic for Retinitis pigmentosa. Last evaluated: 2018-09-11. Review status: criteria provided, single submitter. Criteria: LMM Criteria. Collection method: clinical testing. Allele origin: germline. Inheritance: Autosomal recessive inheritance. Observed: 1 variant allele.
Comment: The p.Ser320Phe variant in CNGA1 (also described as p.Ser316Phe and p.Ser389Phe in the literature) has been reported in compound heterozygous state in 4 individ uals with autosomal recessive retinitis pigmentosa (RP), and segregated with dis ease in 2 affected relatives from 2 families (Dryja 1995, Eisenberger 2013, Coma nder 2017). In vitro functional studies provide some evidence that the p.Ser320P he variant may impact protein function (Dryja 1995). This variant has been repor ted in ClinVar (Variation ID: 424770) and has been identified in 0.19% (242/1264 08) Of European chromosomes by the Genome Aggregation Database (gnomAD; dbSNP rs62625014). Please note that this frequency is low enough to be consistent with the frequency of RP in the general population. In summary, although additional studies are required to fully establish its clin ical significance, the p.Ser320Phe variant is likely pathogenic for RP in an aut osomal recessive manner. ACMG/AMP Criteria applied: PM3_Strong; PP1; PS3_Support ing.

Illumina Laboratory Services, Illumina
Classification: Likely pathogenic for Retinitis pigmentosa. Last evaluated: 2018-08-29. Review status: criteria provided, single submitter. Criteria: ICSL Variant Classification Criteria 09 May 2019. Collection method: clinical testing. Allele origin: germline.
Comment: The CNGA1 c.959C>T (p.Ser320Phe) missense variant, also referred to as c.1166C>T (p.Ser389Phe) and p.Ser316Phe, was found in a compound heterozygous state in six probands, including two sibling pairs, with autosomal recessive retinintis pigmentosa (Dryja et al. 1995; Eisenberger et al. 2013; Comander et al. 2017). Control data is unavailable for this variant, which is reported at a frequency of 0.001914 in the European (non-Finnish) population of the Genome Aggregation Database. Dryja et al. (1995) investigated channel function and found the p.Ser389Phe variant was similar to wild type for channel current and open times of the channel, however, the location was found to be intracellular, whereas wild type CNGA1 protein was located at the cell membrane. Based on the evidence, this variant is classified as likely pathogenic for autosomal recessive retinitis pigmentosa. This variant was observed by ICSL as part of a predisposition screen in an ostensibly healthy population.

Centre for Mendelian Genomics, University Medical Centre Ljubljana
Classification: Likely pathogenic. Last evaluated: 2016-01-01. Review status: criteria provided, single submitter. Criteria: ACMG Guidelines, 2015. Collection method: clinical testing. Allele origin: unknown. Affected: yes.
Comment: This variant was classified as: Likely pathogenic. The following ACMG criteria were applied in classifying this variant: PS1,PP3,PP5.

Juno Genomics, Hangzhou Juno Genomics, Inc
Classification: Likely pathogenic for Retinitis pigmentosa 49. Review status: criteria provided, single submitter. Criteria: ACMG Guidelines, 2015. Collection method: clinical testing. Allele origin: germline.
Comment: Multiple lines of computational evidence support a deleterious effect on the gene or gene product.;For recessive disorders, detected in trans with a pathogenic variant.

Sharon lab, Hadassah-Hebrew University Medical Center
Classification: Likely pathogenic for Retinitis pigmentosa. Last evaluated: 2019-06-23. Review status: no assertion criteria provided. Collection method: research. Allele origin: inherited. Affected: yes. Not counted in ClinVar's aggregate classification.

Department of Clinical Genetics, Copenhagen University Hospital, Rigshospitalet
Classification: Likely pathogenic for Retinitis pigmentosa. Last evaluated: 2018-04-01. Review status: no assertion criteria provided. Collection method: research. Allele origin: unknown. Affected: yes. Study: VeluxRD. Not counted in ClinVar's aggregate classification.

Department of Clinical Genetics, Copenhagen University Hospital, Rigshospitalet
Classification: Likely pathogenic for Macular dystrophy. Last evaluated: 2018-04-01. Review status: no assertion criteria provided. Collection method: research. Allele origin: unknown. Affected: yes. Study: VeluxRD. Not counted in ClinVar's aggregate classification.

Department of Clinical Genetics, Copenhagen University Hospital, Rigshospitalet
Classification: Likely pathogenic for Cone-rod dystrophy. Last evaluated: 2018-04-01. Review status: no assertion criteria provided. Collection method: research. Allele origin: unknown. Affected: yes. Study: VeluxRD. Not counted in ClinVar's aggregate classification.

OMIM
Classification: Pathogenic for RETINITIS PIGMENTOSA 49. Last evaluated: 1995-10-24. Review status: no assertion criteria provided. Collection method: literature only. Allele origin: germline. Not counted in ClinVar's aggregate classification.

Clinical Genetics DNA and cytogenetics Diagnostics Lab, Erasmus MC, Erasmus Medical Center
Classification: Likely pathogenic. Review status: no assertion criteria provided. Collection method: clinical testing. Allele origin: germline. Affected: yes. Study: VKGL Data-share Consensus. Not counted in ClinVar's aggregate classification.

Clinical Genetics, Academic Medical Center
Classification: Likely pathogenic. Review status: no assertion criteria provided. Collection method: clinical testing. Allele origin: germline. Affected: yes. Study: VKGL Data-share Consensus. Not counted in ClinVar's aggregate classification.

Joint Genome Diagnostic Labs from Nijmegen and Maastricht, Radboudumc and MUMC+
Classification: Likely pathogenic. Review status: no assertion criteria provided. Collection method: clinical testing. Allele origin: germline. Affected: yes. Study: VKGL Data-share Consensus. Not counted in ClinVar's aggregate classification.

Literature cited by the submitters: PubMed 7479749 (cited by 8 submitters); PubMed 24265693 (cited by 6 submitters); PubMed 25326637 (cited by 5 submitters); PubMed 28981474 (cited by 5 submitters); PubMed 32531858 (cited by Women's Health and Genetics/Laboratory Corporation of America, LabCorp); PubMed 30718709 (cited by Ocular Genomics Institute, Massachusetts Eye and Ear and Department of Clinical Genetics, Copenhagen University Hospital, Rigshospitalet).